The following is an entry in ClinVar:

ClinVar aggregate classification (germline): Pathogenic (1 of 4 stars; one submission).

Conditions:
Autosomal recessive nonsyndromic hearing loss 2. Also called: NEUROSENSORY NONSYNDROMIC RECESSIVE DEAFNESS 2; DEAFNESS, AUTOSOMAL RECESSIVE 2. Identifiers: Orphanet 90636, MedGen C1838701, MONDO:0010807, OMIM 600060.

Submission:

Institute of Rare Diseases, West China Hospital, Sichuan University
Classification: Pathogenic for Autosomal recessive nonsyndromic hearing loss 2. Last evaluated: 2025-01-09. Review status: criteria provided, single submitter. Criteria: ClinGen HL ACMG Specifications v1. Collection method: research. Allele origin: germline. Affected: yes.
Comment: PVS1;PM3;PM2_Supporting

NM_000260.4(MYO7A):c.3224_3225del (p.Ile1074_Tyr1075insTer)

Gene: MYO7A (myosin VIIA; plus strand). Cytogenetic location: 11q13.5.
Variant type: Deletion.
Coding change: c.3224_3225del on transcript NM_000260.4 (MANE Select); coding-DNA positions 3224 to 3225, 2 bases deleted (AT; older notation c.3224_3225delAT).
Protein change: p.Ile1074_Tyr1075insTer.
Molecular consequence: nonsense.
Genome position (GRCh38, 1-based): chr11:77,182,539-77,182,540, AT deleted; deleting any 2 consecutive bases within chr11:77,182,538-77,182,540 gives the same sequence; the c. name uses the placement nearest the transcript's 3' end. VCF-style (leftmost placement, unchanged base first): chr11-77182537-TTA-T. GRCh37 (hg19) VCF-style: chr11-76893582-TTA-T.
Other names: c.3224_3225del, p.Ile1074_Tyr1075insTer (NM_001127180.2); c.3191_3192del, p.Ile1063_Tyr1064insTer (NM_001369365.1).
Identifiers: ClinVar variation 3601469 (VCV003601469.1).